The following is an entry in ClinVar:

NM_000548.5(TSC2):c.1445_1448del (p.Glu482fs)

Gene: TSC2 (TSC complex subunit 2; plus strand). Cytogenetic location: 16p13.3.
Variant type: Deletion.
Coding change: c.1445_1448del on transcript NM_000548.5 (MANE Select); coding-DNA positions 1445 to 1448, 4 bases deleted (AGGA; older notation c.1445_1448delAGGA).
Protein change: p.Glu482fs; shifts the reading frame from glutamic acid 482.
Molecular consequence: frameshift variant. On other transcripts: 5 prime UTR variant (1), non-coding transcript variant (5).
Genome position (GRCh38, 1-based): chr16:2,064,273-2,064,276, AGGA deleted. VCF-style (leftmost placement, unchanged base first): chr16-2064272-GAGGA-G. GRCh37 (hg19) VCF-style: chr16-2114273-GAGGA-G.
Other names: c.1445_1448del, p.Glu482fs (NM_001406663.1, NM_001406664.1, NM_001406665.1 and 6 more transcripts); c.1535_1538del, p.Glu512fs (NM_001406667.1, NM_001406668.1); c.1334_1337del, p.Glu445fs (NM_001406670.1, NM_001318827.2, NM_001406678.1); c.1433_1436del, p.Glu478fs (NM_001406671.1, NM_001406673.1); c.1298_1301del, p.Glu433fs (NM_001406675.1, NM_001406676.1, NM_001318829.2 and 1 more transcripts); c.845_848del, p.Glu282fs (NM_001406685.1, NM_001406686.1, NM_001406687.1 and 6 more transcripts); c.101_104del, p.Glu34fs (NM_001406689.1, NM_001406690.1, NM_001406691.1 and 6 more transcripts); c.1478_1481del, p.Glu493fs (NM_001318832.2); and 3 more; short protein forms E282fs, E34fs, E493fs, E328fs, E433fs, E482fs, E512fs, E445fs.
Identifiers: ClinVar variation 4294471 (VCV004294471.1).

ClinVar aggregate classification (germline): Likely pathogenic (1 of 4 stars; one submission).

Conditions:
Tuberous sclerosis 2 (TSC2). Identifiers: Orphanet 805, MedGen C1860707, MONDO:0013199, OMIM 613254.
Lymphangiomyomatosis (LAM). Also called: Lymphangioleiomyomatosis; Lymphangioleiomyomatosis, somatic. Identifiers: Orphanet 538, MedGen C0751674, MONDO:0011705, OMIM 606690.
Isolated focal cortical dysplasia type II (FCORD2). Also called: CORTICAL DYSPLASIA OF TAYLOR; Focal cortical dysplasia type II. Identifiers: Orphanet 268994, MedGen C1846385, MONDO:0011818, OMIM 607341, HP:0032051.

Submission:

Molecular Genetics Department, Kulakov National Medical Research Center for Obstetrics, Gynecology and Perinatology
Classification: Likely pathogenic for Lymphangiomyomatosis; Isolated focal cortical dysplasia type II; Tuberous sclerosis 2. Review status: criteria provided, single submitter. Criteria: ACMG Guidelines, 2015. Collection method: clinical testing. Allele origin: germline. Affected: yes. Observed: 1 variant allele.
Comment: A previously undescribed heterozygous nucleotide variant creates a frameshift p.Glu482GlyfsTer2 in the TSC2 gene. Heterozygous variants, including loss-of-function variants, are reported in patients with tuberous sclerosis-2, 613254. The variant is not present in population database (gnomAD no frequency). In summary, the currently available evidence indicates that the variant is pathogenic, but additional data are needed to prove that conclusively. Therefore, this variant has been classified as likely pathogenic.